The following is an entry in ClinVar:

ClinVar aggregate classification (germline): Uncertain significance (1 of 4 stars; one submission).

gnomAD v4.1: 1 of 1,613,744 alleles (0.000062%); highest among the groups gnomAD compares: Non-Finnish European, 0.000085%; no homozygotes.

Submission:

GeneDx
Classification: Uncertain significance. Last evaluated: 2024-01-12. Review status: criteria provided, single submitter. Criteria: GeneDx Variant Classification Process June 2021. Collection method: clinical testing. Allele origin: germline. Affected: yes.
Comment: Not observed at significant frequency in large population cohorts (gnomAD); In silico analysis supports that this missense variant has a deleterious effect on protein structure/function; Has not been previously published as pathogenic or benign to our knowledge

NM_001330078.2(NRXN1):c.2537A>G (p.Asn846Ser)

Gene: NRXN1 (neurexin 1; minus strand). Cytogenetic location: 2p16.3.
Variant type: single nucleotide variant.
Coding change: c.2537A>G on transcript NM_001330078.2 (MANE Select); coding-DNA position 2537, A replaced by G.
Protein change: p.Asn846Ser; replaces asparagine 846 with serine.
Molecular consequence: missense variant.
Genome position (GRCh38, 1-based): chr2:50,497,675, T>C on the plus strand (A>G on the coding strand, the complement: NRXN1 is on the minus strand). VCF-style: chr2-50497675-T-C. GRCh37 (hg19) VCF-style: chr2-50724813-T-C.
Other names: c.2657A>G, p.Asn886Ser (NM_001135659.3); c.2513A>G, p.Asn838Ser (NM_001330077.2, NM_001330082.2); c.2471A>G, p.Asn824Ser (NM_001330083.2, NM_001330084.2); c.2510A>G, p.Asn837Ser (NM_001330085.2); c.2537A>G, p.Asn846Ser (NM_001330086.2, NM_004801.6); c.2426A>G, p.Asn809Ser (NM_001330087.2, NM_001330096.2); c.2456A>G, p.Asn819Ser (NM_001330088.2); c.2534A>G, p.Asn845Ser (NM_001330093.2); and 2 more; short protein forms N809S, N819S, N824S, N829S, N837S, N838S, N842S, N845S.
Identifiers: ClinVar variation 3370150 (VCV003370150.1).